The following is an entry in ClinVar:

NM_002693.3(POLG):c.1499C>A (p.Ala500Asp)

Gene: POLG (DNA polymerase gamma, catalytic subunit; minus strand). Cytogenetic location: 15q26.1.
Variant type: single nucleotide variant.
Coding change: c.1499C>A on transcript NM_002693.3 (MANE Select); coding-DNA position 1499, C replaced by A.
Protein change: p.Ala500Asp; replaces alanine 500 with aspartic acid.
Molecular consequence: missense variant.
Genome position (GRCh38, 1-based): chr15:89,326,998, G>T on the plus strand (C>A on the coding strand, the complement: POLG is on the minus strand). VCF-style: chr15-89326998-G-T. GRCh37 (hg19) VCF-style: chr15-89870229-G-T.
Other names: c.1499C>A, p.Ala500Asp (NM_001126131.2); short protein forms A500D.
Identifiers: ClinVar variation 429440 (VCV000429440.11), dbSNP rs780901280, ClinGen allele CA7724821.

ClinVar aggregate classification (germline): Uncertain significance. Review status: criteria provided, multiple submitters, no conflicts (2 of 4 stars). 2 submissions from 2 submitters: Uncertain significance (2). Last evaluated 2024-10-13.

Conditions:
Progressive sclerosing poliodystrophy (MTDPS4A). Also called: Mitochondrial DNA depletion syndrome 4A (Alpers type); Alpers Syndrome; ALPERS DIFFUSE DEGENERATION OF CEREBRAL GRAY MATTER WITH HEPATIC CIRRHOSIS; Mitochondrial DNA Depletion Syndrome 4A; Alpers-Huttenlocher Syndrome (AHS); ALPERS PROGRESSIVE INFANTILE POLIODYSTROPHY. Identifiers: Orphanet 726, MedGen C0205710, MONDO:0008758, OMIM 203700.

Allele frequency attached by ClinVar (database versions not stated): gnomAD exomes 0.00001 and 0.00005; ExAC 0.00006.
gnomAD v4.1: 20 of 1,614,138 alleles (0.0012%); highest among the groups gnomAD compares: South Asian, 0.019%; no homozygotes.

Submissions (2):

Labcorp Genetics (formerly Invitae), Labcorp
Classification: Uncertain significance for Progressive sclerosing poliodystrophy. Last evaluated: 2024-10-13. Review status: criteria provided, single submitter. Criteria: Invitae Variant Classification Sherloc (09022015). Collection method: clinical testing. Allele origin: germline.
Comment: This sequence change replaces alanine, which is neutral and non-polar, with aspartic acid, which is acidic and polar, at codon 500 of the POLG protein (p.Ala500Asp). This variant is present in population databases (rs780901280, gnomAD 0.04%). This variant has not been reported in the literature in individuals affected with POLG-related conditions. ClinVar contains an entry for this variant (Variation ID: 429440). Invitae Evidence Modeling of protein sequence and biophysical properties (such as structural, functional, and spatial information, amino acid conservation, physicochemical variation, residue mobility, and thermodynamic stability) indicates that this missense variant is not expected to disrupt POLG protein function with a negative predictive value of 95%. In summary, the available evidence is currently insufficient to determine the role of this variant in disease. Therefore, it has been classified as a Variant of Uncertain Significance.

GeneDx
Classification: Uncertain significance. Last evaluated: 2017-04-28. Review status: criteria provided, single submitter. Criteria: GeneDx Variant Classification (06012015). Collection method: clinical testing. Allele origin: germline. Affected: yes.
Comment: A variant of uncertain significance has been identified in the POLG gene. The A500D variant has not been published as a pathogenic variant, nor has it been reported as a benign variant to our knowledge. The A500D variant is observed in 7/16512 (0.04%) alleles from individuals of South Asian background (Lek et al., 2016; 1000 Genomes Consortium et al., 2015; Exome Variant Server). The A500D variant is a non-conservative amino acid substitution, which is likely to impact secondary protein structure as these residues differ in polarity, charge, size and/or other properties. However, this substitution occurs at a position that is not conserved and in silico analysis predicts this variant likely does not alter the protein structure/function. Therefore, based on the currently available information, it is unclear whether this variant is a pathogenic variant or a rare benign variant.